The following is an entry in ClinVar:

NM_032122.5(DTNBP1):c.973G>A (p.Glu325Lys)

Gene: DTNBP1 (dystrobrevin binding protein 1; minus strand). Cytogenetic location: 6p22.3.
Variant type: single nucleotide variant.
Coding change: c.973G>A on transcript NM_032122.5 (MANE Select); coding-DNA position 973, G replaced by A.
Protein change: p.Glu325Lys; replaces glutamic acid 325 with lysine.
Molecular consequence: missense variant.
Genome position (GRCh38, 1-based): chr6:15,523,058, C>T on the plus strand (G>A on the coding strand, the complement: DTNBP1 is on the minus strand). VCF-style: chr6-15523058-C-T. GRCh37 (hg19) VCF-style: chr6-15523289-C-T.
Other names: p.Glu325Lys; c.730G>A, p.Glu244Lys (NM_001271667.2); c.922G>A, p.Glu308Lys (NM_001271668.2); c.868G>A, p.Glu290Lys (NM_001271669.2); short protein forms E244K, E290K, E308K, E325K.
Identifiers: ClinVar variation 3379636 (VCV003379636.1).

ClinVar aggregate classification (germline): Uncertain significance (1 of 4 stars; one submission).

gnomAD v4.1: 1 of 1,614,090 alleles (0.000062%); highest among the groups gnomAD compares: Non-Finnish European, 0.000085%; no homozygotes.

Submission:

Mayo Clinic Laboratories, Mayo Clinic
Classification: Uncertain significance. Last evaluated: 2023-12-29. Review status: criteria provided, single submitter. Criteria: ACMG Guidelines, 2015. Collection method: clinical testing. Allele origin: germline. Observed: 1 variant allele.
Comment: BP4, PM1, PM2_moderate